The following is an entry in ClinVar:

ClinVar aggregate classification (germline): Uncertain significance (1 of 4 stars; one submission).

Conditions:
Inborn genetic diseases. Identifiers: MedGen C0950123, MeSH D030342.

Allele frequency attached by ClinVar (database versions not stated): gnomAD 0.00001; gnomAD exomes 0.00001.
gnomAD v4.1: 13 of 1,613,922 alleles (0.00081%); highest among the groups gnomAD compares: Non-Finnish European, 0.0011%; no homozygotes.

Submission:

Ambry Genetics
Classification: Uncertain significance for Inborn genetic diseases. Last evaluated: 2023-07-30. Review status: criteria provided, single submitter. Criteria: Ambry Variant Classification Scheme 2023. Collection method: clinical testing. Allele origin: germline.
Comment: The p.M243V variant (also known as c.727A>G), located in coding exon 7 of the RAD51 gene, results from an A to G substitution at nucleotide position 727. The methionine at codon 243 is replaced by valine, an amino acid with highly similar properties. This amino acid position is conserved. In addition, this alteration is predicted to be tolerated by in silico analysis. Since supporting evidence is limited at this time, the clinical significance of this alteration remains unclear.

NM_002875.5(RAD51):c.727A>G (p.Met243Val)

Gene: RAD51 (RAD51 recombinase; plus strand). Cytogenetic location: 15q15.1.
Variant type: single nucleotide variant.
Coding change: c.727A>G on transcript NM_002875.5 (MANE Select); coding-DNA position 727, A replaced by G.
Protein change: p.Met243Val; replaces methionine 243 with valine.
Molecular consequence: missense variant.
Genome position (GRCh38, 1-based): chr15:40,729,587, A>G. VCF-style: chr15-40729587-A-G. GRCh37 (hg19) VCF-style: chr15-41021785-A-G.
Other names: c.730A>G, p.Met244Val (NM_001164269.2, NM_133487.4); c.727A>G, p.Met243Val (NM_001164270.2); short protein forms M244V, M243V.
Identifiers: ClinVar variation 1758047 (VCV001758047.3), dbSNP rs1196348842, ClinGen allele CA391759003.